The following is an entry in ClinVar:

ClinVar aggregate classification (germline): Conflicting classifications of pathogenicity. Review status: criteria provided, conflicting classifications (1 of 4 stars). 2 submissions from 2 submitters: Likely pathogenic (1); Uncertain significance (1). Last evaluated 2026-06-03.

Conditions:
Costello syndrome (CSTLO). Also called: FACIOCUTANEOSKELETAL SYNDROME; HRAS-Related Costello Syndrome; FCS SYNDROME. Identifiers: Orphanet 3071, MedGen C0587248, MONDO:0009026, OMIM 218040.

Allele frequency attached by ClinVar (database versions not stated): gnomAD exomes below 0.00001.
gnomAD v4.1: 1 of 1,613,836 alleles (0.000062%); highest among the groups gnomAD compares: Non-Finnish European, 0.000085%; no homozygotes.

Submissions (2):

Greenwood Genetic Center Diagnostic Laboratories, Greenwood Genetic Center
Classification: Likely pathogenic for Costello syndrome. Last evaluated: 2026-06-03. Review status: criteria provided, single submitter. Criteria: ACMG Guidelines, 2015. Collection method: clinical testing. Allele origin: germline. Affected: yes.
Comment: PS2, PM2

Labcorp Genetics (formerly Invitae), Labcorp
Classification: Uncertain significance for Costello syndrome. Last evaluated: 2025-11-03. Review status: criteria provided, single submitter. Criteria: Invitae Variant Classification Sherloc (09022015). Collection method: clinical testing. Allele origin: germline.
Comment: This sequence change replaces arginine, which is basic and polar, with glutamine, which is neutral and polar, at codon 102 of the HRAS protein (p.Arg102Gln). This variant is not present in population databases (gnomAD no frequency). This variant has not been reported in the literature in individuals affected with HRAS-related conditions. ClinVar contains an entry for this variant (Variation ID: 2826339). Invitae Evidence Modeling of protein sequence and biophysical properties (such as structural, functional, and spatial information, amino acid conservation, physicochemical variation, residue mobility, and thermodynamic stability) has been performed for this missense variant. However, the output from this modeling did not meet the statistical confidence thresholds required to predict the impact of this variant on HRAS protein function. In summary, the available evidence is currently insufficient to determine the role of this variant in disease. Therefore, it has been classified as a Variant of Uncertain Significance.

NM_005343.4(HRAS):c.305G>A (p.Arg102Gln)

Genes: HRAS (HRas proto-oncogene, GTPase; minus strand), LRRC56 (leucine rich repeat containing 56; plus strand). Cytogenetic location: 11p15.5.
Variant type: single nucleotide variant.
Coding change: c.305G>A on transcript NM_005343.4 (MANE Select); coding-DNA position 305, G replaced by A.
Protein change: p.Arg102Gln; replaces arginine 102 with glutamine.
Molecular consequence: missense variant. On other transcripts: 5 prime UTR variant (1).
Genome position (GRCh38, 1-based): chr11:533,598, C>T on the plus strand (G>A on the coding strand, the complement: HRAS is on the minus strand). VCF-style: chr11-533598-C-T. GRCh37 (hg19) VCF-style: chr11-533598-C-T.
Other names: c.305G>A, p.Arg102Gln (NM_001130442.3, NM_176795.5); c.-15G>A (NM_001318054.2); short protein forms R102Q.
Identifiers: ClinVar variation 2826339 (VCV002826339.4), dbSNP rs2133987910, ClinGen allele CA378923922.
Genomic context (GRCh38, chr11:533,598, plus strand): 5'-GCAGCCAGGTCACACTTGTTCCCCACCAGCACCATGGGCACGTCATCCGAGTCCTTCACC[C>T]GTTTGATCTGCTCCCTGAGAGGTGGAAAGCGAGAGCTGGCTACGGGGGCTGCAGGCGCAG-3'
Protein context (NP_005334.1, residues 92-112): DIHQYREQIK[Arg102Gln]VKDSDDVPMV